The following is an entry in ClinVar:

ClinVar aggregate classification (germline): Uncertain significance (1 of 4 stars; one submission).

Conditions:
DOCK2 deficiency. Also called: Immunodeficiency 40. Identifiers: Orphanet 447737, MedGen C4225328, MONDO:0014637, OMIM 616433.

Submission:

Labcorp Genetics (formerly Invitae), Labcorp
Classification: Uncertain significance for DOCK2 deficiency. Last evaluated: 2022-04-07. Review status: criteria provided, single submitter. Criteria: Invitae Variant Classification Sherloc (09022015). Collection method: clinical testing. Allele origin: germline.
Comment: This variant has not been reported in the literature in individuals affected with DOCK2-related conditions. Algorithms developed to predict the effect of missense changes on protein structure and function (SIFT, PolyPhen-2, Align-GVGD) all suggest that this variant is likely to be tolerated. In summary, the available evidence is currently insufficient to determine the role of this variant in disease. Therefore, it has been classified as a Variant of Uncertain Significance. This variant is not present in population databases (gnomAD no frequency). This sequence change replaces aspartic acid, which is acidic and polar, with glutamic acid, which is acidic and polar, at codon 208 of the DOCK2 protein (p.Asp208Glu).

NM_004946.3(DOCK2):c.624T>A (p.Asp208Glu)

Gene: DOCK2 (dedicator of cytokinesis 2; plus strand). Cytogenetic location: 5q35.1.
Variant type: single nucleotide variant.
Coding change: c.624T>A on transcript NM_004946.3 (MANE Select); coding-DNA position 624, T replaced by A.
Protein change: p.Asp208Glu; replaces aspartic acid 208 with glutamic acid.
Molecular consequence: missense variant. On other transcripts: non-coding transcript variant (1).
Genome position (GRCh38, 1-based): chr5:169,684,213, T>A. VCF-style: chr5-169684213-T-A. GRCh37 (hg19) VCF-style: chr5-169111217-T-A.
Other names: short protein forms D208E.
Identifiers: ClinVar variation 1897542 (VCV001897542.3), dbSNP rs755325682, ClinGen allele CA362103497.